The following is an entry in ClinVar:

NM_032638.5(GATA2):c.598G>A (p.Gly200Ser)

Gene: GATA2 (GATA binding protein 2; minus strand). Cytogenetic location: 3q21.3.
Variant type: single nucleotide variant.
Coding change: c.598G>A on transcript NM_032638.5 (MANE Select); coding-DNA position 598, G replaced by A.
Protein change: p.Gly200Ser; replaces glycine 200 with serine.
Molecular consequence: missense variant.
Genome position (GRCh38, 1-based): chr3:128,486,000, C>T on the plus strand (G>A on the coding strand, the complement: GATA2 is on the minus strand). VCF-style: chr3-128486000-C-T. GRCh37 (hg19) VCF-style: chr3-128204843-C-T.
Other names: c.598G>A, p.Gly200Ser (NM_001145661.2, NM_001145662.1); short protein forms G200S.
Identifiers: ClinVar variation 3381602 (VCV003381602.2).

ClinVar aggregate classification (germline): Uncertain significance. Review status: criteria provided, multiple submitters, no conflicts (2 of 4 stars). 2 submissions from 2 submitters: Uncertain significance (2). Last evaluated 2025-07-13.

Conditions:
Inborn genetic diseases. Identifiers: MedGen C0950123, MeSH D030342.

Submissions (2):

Ambry Genetics
Classification: Uncertain significance for Inborn genetic diseases. Last evaluated: 2025-07-13. Review status: criteria provided, single submitter. Criteria: Ambry Variant Classification Scheme 2023. Collection method: clinical testing. Allele origin: germline.
Comment: The p.G200S variant (also known as c.598G>A), located in coding exon 2 of the GATA2 gene, results from a G to A substitution at nucleotide position 598. The glycine at codon 200 is replaced by serine, an amino acid with similar properties. This amino acid position is conserved. In addition, the in silico prediction for this alteration is inconclusive. Based on the available evidence, the clinical significance of this variant remains unclear.

GeneDx
Classification: Uncertain significance. Last evaluated: 2024-05-21. Review status: criteria provided, single submitter. Criteria: GeneDx Variant Classification Process June 2021. Collection method: clinical testing. Allele origin: germline. Affected: yes.
Comment: Not observed at significant frequency in large population cohorts (gnomAD); In silico analysis indicates that this missense variant does not alter protein structure/function; Has not been previously published as pathogenic or benign to our knowledge